The following is an entry in ClinVar:

ClinVar aggregate classification (germline): Benign/Likely benign. Review status: criteria provided, multiple submitters, no conflicts (2 of 4 stars). 2 submissions from 2 submitters: Benign (1); Likely benign (1). Last evaluated 2018-01-12.

Conditions:
Episodic ataxia type 5. Identifiers: Orphanet 211067, MedGen C1866039, MONDO:0013464, OMIM 613855.

Allele frequency attached by ClinVar (database versions not stated): 1000 Genomes Project 0.02356; 1000 Genomes Project 30x 0.02420; TOPMed 0.02683; gnomAD 0.02720 and 0.02784.

Submissions (2):

Illumina Laboratory Services, Illumina
Classification: Benign for Episodic ataxia type 5. Last evaluated: 2018-01-12. Review status: criteria provided, single submitter. Criteria: ICSL Variant Classification Criteria 13 December 2019. Collection method: clinical testing. Allele origin: germline.
Comment: This variant was observed in the ICSL laboratory as part of a predisposition screen in an ostensibly healthy population. It had not been previously curated by ICSL or reported in the Human Gene Mutation Database (HGMD: prior to June 1st, 2018), and was therefore a candidate for classification through an automated scoring system. Utilizing variant allele frequency, disease prevalence and penetrance estimates, and inheritance mode, an automated score was calculated to assess if this variant is too frequent to cause the disease. Based on the score and internal cut-off values, a variant classified as benign is not then subjected to further curation. The score for this variant resulted in a classification of benign for this disease.

Breakthrough Genomics
Classification: Likely benign. Review status: criteria provided, single submitter. Criteria: ACMG Guidelines, 2015. Collection method: not provided. Allele origin: germline. Inheritance: Autosomal dominant inheritance. Affected: yes.

NM_000726.5(CACNB4):c.*1656T>C

Gene: CACNB4 (calcium voltage-gated channel auxiliary subunit beta 4; minus strand). Cytogenetic location: 2q23.3.
Variant type: single nucleotide variant.
Coding change: c.*1656T>C on transcript NM_000726.5 (MANE Select); 1656 bases downstream of the stop codon, T replaced by C.
Molecular consequence: 3 prime UTR variant.
Genome position (GRCh38, 1-based): chr2:151,837,463, A>G on the plus strand (T>C on the coding strand, the complement: CACNB4 is on the minus strand). VCF-style: chr2-151837463-A-G. GRCh37 (hg19) VCF-style: chr2-152693977-A-G.
Other names: c.*1656T>C (NM_001005746.4, NM_001005747.4, NM_001145798.3 and 7 more transcripts).
Identifiers: ClinVar variation 331602 (VCV000331602.7), dbSNP rs62174451, ClinGen allele CA10612568.